The following is an entry in ClinVar:

NM_004187.5(KDM5C):c.4603G>A (p.Gly1535Ser)

Gene: KDM5C (lysine demethylase 5C; minus strand). Cytogenetic location: Xp11.22.
Variant type: single nucleotide variant.
Coding change: c.4603G>A on transcript NM_004187.5 (MANE Select); coding-DNA position 4603, G replaced by A.
Protein change: p.Gly1535Ser; replaces glycine 1535 with serine.
Molecular consequence: missense variant. On other transcripts: intron variant (5).
Genome position (GRCh38, 1-based): chrX:53,193,047, C>T on the plus strand (G>A on the coding strand, the complement: KDM5C is on the minus strand). VCF-style: chrX-53193047-C-T. GRCh37 (hg19) VCF-style: chrX-53222229-C-T.
Other names: c.4600G>A, p.Gly1534Ser (NM_001282622.3); c.4594G>A, p.Gly1532Ser (NM_001353978.3); c.4305+390G>A (NM_001353982.2); c.4314+390G>A (NM_001353979.2); c.4308+390G>A (NM_001353981.2, NM_001353984.2); c.4047-210G>A (NM_001146702.2); short protein forms G1534S, G1532S, G1535S.
Identifiers: ClinVar variation 1986822 (VCV001986822.4), dbSNP rs2519361473, ClinGen allele CA413102200.

ClinVar aggregate classification (germline): Uncertain significance (1 of 4 stars; one submission).

Conditions:
Spastic paraplegia. Identifiers: MedGen C0037772, HP:0001258.

Submission:

Labcorp Genetics (formerly Invitae), Labcorp
Classification: Uncertain significance for Spastic paraplegia. Last evaluated: 2022-07-11. Review status: criteria provided, single submitter. Criteria: Invitae Variant Classification Sherloc (09022015). Collection method: clinical testing. Allele origin: germline.
Comment: This variant has not been reported in the literature in individuals affected with KDM5C-related conditions. This sequence change replaces glycine, which is neutral and non-polar, with serine, which is neutral and polar, at codon 1535 of the KDM5C protein (p.Gly1535Ser). This variant is not present in population databases (gnomAD no frequency). Advanced modeling of protein sequence and biophysical properties (such as structural, functional, and spatial information, amino acid conservation, physicochemical variation, residue mobility, and thermodynamic stability) performed at Invitae indicates that this missense variant is not expected to disrupt KDM5C protein function. In summary, the available evidence is currently insufficient to determine the role of this variant in disease. Therefore, it has been classified as a Variant of Uncertain Significance.